The following is an entry in ClinVar:

NM_001289104.2(PRKCSH):c.917C>T (p.Pro306Leu)

Gene: PRKCSH (PRKCSH beta subunit of glucosidase II; plus strand). Cytogenetic location: 19p13.2.
Variant type: single nucleotide variant.
Coding change: c.917C>T on transcript NM_001289104.2 (MANE Select); coding-DNA position 917, C replaced by T.
Protein change: p.Pro306Leu; replaces proline 306 with leucine.
Molecular consequence: missense variant.
Genome position (GRCh38, 1-based): chr19:11,447,506, C>T. VCF-style: chr19-11447506-C-T. GRCh37 (hg19) VCF-style: chr19-11558321-C-T.
Other names: c.917C>T, p.Pro306Leu (NM_001001329.3, NM_001289102.2, NM_001289103.2 and 3 more transcripts); short protein forms P306L.
Identifiers: ClinVar variation 1964761 (VCV001964761.5), dbSNP rs753410273, ClinGen allele CA9213066.
Genomic context (GRCh38, chr19:11,447,506, plus strand): 5'-CCACCGACCTTCCAGCACCTTCTGCCCCTGACTTGACGGAGCCCAAGGAGGAGCAGCCGC[C>T]AGTGCCCTCGTCGCCCACAGAGGAGGAGGAGGAGGAGGAGGAGGAGGAGGAAGAAGAGGC-3'
Protein context (NP_001276033.1, residues 296-316): DLTEPKEEQP[Pro306Leu]VPSSPTEEEE

ClinVar aggregate classification (germline): Uncertain significance (1 of 4 stars; one submission).

Allele frequency attached by ClinVar (database versions not stated): gnomAD exomes below 0.00001; ExAC 0.00001.
gnomAD v4.1: 4 of 1,613,422 alleles (0.00025%); highest among the groups gnomAD compares: Admixed American, 0.0033%; no homozygotes.

Submission:

Labcorp Genetics (formerly Invitae), Labcorp
Classification: Uncertain significance. Last evaluated: 2023-08-10. Review status: criteria provided, single submitter. Criteria: Invitae Variant Classification Sherloc (09022015). Collection method: clinical testing. Allele origin: germline.
Comment: In summary, the available evidence is currently insufficient to determine the role of this variant in disease. Therefore, it has been classified as a Variant of Uncertain Significance. Algorithms developed to predict the effect of missense changes on protein structure and function output the following: SIFT: "Not Available"; PolyPhen-2: "Benign"; Align-GVGD: "Not Available". The leucine amino acid residue is found in multiple mammalian species, which suggests that this missense change does not adversely affect protein function. ClinVar contains an entry for this variant (Variation ID: 1964761). This variant has not been reported in the literature in individuals affected with PRKCSH-related conditions. This variant is present in population databases (rs753410273, gnomAD 0.003%). This sequence change replaces proline, which is neutral and non-polar, with leucine, which is neutral and non-polar, at codon 306 of the PRKCSH protein (p.Pro306Leu).